The following is an entry in ClinVar:

NM_014946.4(SPAST):c.1646T>A (p.Leu549Gln)

Gene: SPAST (spastin; plus strand). Cytogenetic location: 2p22.3.
Variant type: single nucleotide variant.
Coding change: c.1646T>A on transcript NM_014946.4 (MANE Select); coding-DNA position 1646, T replaced by A.
Protein change: p.Leu549Gln; replaces leucine 549 with glutamine.
Molecular consequence: missense variant. On other transcripts: intron variant (1).
Genome position (GRCh38, 1-based): chr2:32,144,966, T>A. VCF-style: chr2-32144966-T-A. GRCh37 (hg19) VCF-style: chr2-32370035-T-A.
Other names: c.1550T>A, p.Leu517Gln (NM_199436.2); c.1643T>A, p.Leu548Gln (NM_001363823.2); c.1547T>A, p.Leu516Gln (NM_001363875.2); c.1520+1551T>A (NM_001377959.1); short protein forms L516Q, L517Q, L549Q, L548Q.
Identifiers: ClinVar variation 2020664 (VCV002020664.4), dbSNP rs1553319534, ClinGen allele CA346504214.
Genomic context (GRCh38, chr2:32,144,966, plus strand): 5'-TAATTTGCTGTTTCTTCCTTCCCTTCCTCAGAATGACTGATGGATACTCAGGAAGTGACC[T>A]AACAGCTTTGGCAAAAGATGCAGCACTGGGTCCTATCCGAGGTAGGTATACAAGAGCTTA-3'
Protein context (NP_055761.2, residues 539-559): RMTDGYSGSD[Leu549Gln]TALAKDAALG

ClinVar aggregate classification (germline): Likely pathogenic (1 of 4 stars; one submission).

Conditions:
Hereditary spastic paraplegia 4. Also called: Spastic paraplegia 4, autosomal dominant; Spastic Paraplegia 4; Familial spastic paraplegia autosomal dominant 2. Identifiers: Orphanet 100985, MedGen C1866855, MONDO:0008438, OMIM 182601.

Submission:

Labcorp Genetics (formerly Invitae), Labcorp
Classification: Likely pathogenic for Hereditary spastic paraplegia 4. Last evaluated: 2022-07-30. Review status: criteria provided, single submitter. Criteria: Invitae Variant Classification Sherloc (09022015). Collection method: clinical testing. Allele origin: germline.
Comment: In summary, the currently available evidence indicates that the variant is pathogenic, but additional data are needed to prove that conclusively. Therefore, this variant has been classified as Likely Pathogenic. This variant disrupts the p.Leu549 amino acid residue in SPAST. Other variant(s) that disrupt this residue have been determined to be pathogenic (PMID: 24451228; Invitae). This suggests that this residue is clinically significant, and that variants that disrupt this residue are likely to be disease-causing. Advanced modeling of protein sequence and biophysical properties (such as structural, functional, and spatial information, amino acid conservation, physicochemical variation, residue mobility, and thermodynamic stability) performed at Invitae indicates that this missense variant is expected to disrupt SPAST protein function. This missense change has been observed in individual(s) with clinical features of hereditary spastic paraplegia (Invitae). This variant is not present in population databases (gnomAD no frequency). This sequence change replaces leucine, which is neutral and non-polar, with glutamine, which is neutral and polar, at codon 549 of the SPAST protein (p.Leu549Gln).

Literature cited by the submitters: PubMed 24451228.